The following is an entry in ClinVar:

NM_201384.3(PLEC):c.4727C>T (p.Ala1576Val)

Gene: PLEC (plectin; minus strand). Cytogenetic location: 8q24.3.
Variant type: single nucleotide variant.
Coding change: c.4727C>T on transcript NM_201384.3 (MANE Select); coding-DNA position 4727, C replaced by T.
Protein change: p.Ala1576Val; replaces alanine 1576 with valine.
Molecular consequence: missense variant.
Genome position (GRCh38, 1-based): chr8:143,925,202, G>A on the plus strand (C>T on the coding strand, the complement: PLEC is on the minus strand). VCF-style: chr8-143925202-G-A. GRCh37 (hg19) VCF-style: chr8-144999370-G-A.
Other names: c.4808C>T, p.Ala1603Val (NM_000445.5); c.4685C>T, p.Ala1562Val (NM_201378.4); c.4661C>T, p.Ala1554Val (NM_201379.3); c.5138C>T, p.Ala1713Val (NM_201380.4); c.4631C>T, p.Ala1544Val (NM_201381.3); c.4727C>T, p.Ala1576Val (NM_201382.4); c.4739C>T, p.Ala1580Val (NM_201383.3); c.4808C>T (NM_000445.3); short protein forms A1544V, A1580V, A1562V, A1554V, A1576V, A1603V, A1713V.
Identifiers: ClinVar variation 937041 (VCV000937041.10), dbSNP rs782322130, ClinGen allele CA4926556.

ClinVar aggregate classification (germline): Conflicting classifications of pathogenicity. Review status: criteria provided, conflicting classifications (1 of 4 stars). 4 submissions from 4 submitters: Uncertain significance (3); Likely benign (1). Last evaluated 2026-01-14.

Conditions:
Inborn genetic diseases. Identifiers: MedGen C0950123, MeSH D030342.
PLEC-related disorder. Also called: PLEC-related disorders; PLEC-related condition.
Autosomal recessive limb-girdle muscular dystrophy type 2Q (LGMDR17). Also called: MUSCULAR DYSTROPHY, LIMB-GIRDLE, AUTOSOMAL RECESSIVE 17. Identifiers: Orphanet 254361, MedGen C3150989, MONDO:0013390, OMIM 613723.
Epidermolysis bullosa simplex, Ogna type (EBS5A). Also called: Pidermolysis bullosa simplex 5A, Ogna type; EPIDERMOLYSIS BULLOSA SIMPLEX 5A, OGNA TYPE. Identifiers: Orphanet 79401, MedGen C0432317, MONDO:0007555, OMIM 131950.
Epidermolysis bullosa simplex 5B, with muscular dystrophy (EBS5B). Also called: Epidermolysis bullosa simplex with muscular dystrophy; EPIDERMOLYSIS BULLOSA SIMPLEX AND LIMB-GIRDLE MUSCULAR DYSTROPHY. Identifiers: Orphanet 257, MedGen C2931072, MONDO:0009181, OMIM 226670.
Epidermolysis bullosa simplex with nail dystrophy (EBS5D). Identifiers: MedGen C4225309, MONDO:0014661, OMIM 616487.
Epidermolysis bullosa simplex 5C, with pyloric atresia (EBS5C). Also called: PLEC1-Related Epidermolysis Bullosa with Pyloric Atresia; PLEC-Related Epidermolysis Bullosa with Pyloric Atresia; Epidermolysis bullosa simplex with pyloric atresia. Identifiers: Orphanet 158684, MedGen C2677349, MONDO:0012807, OMIM 612138.

Allele frequency attached by ClinVar (database versions not stated): gnomAD 0.00004 and 0.00005; gnomAD exomes 0.00005 and 0.00011; TOPMed 0.00005; ExAC 0.00014.
gnomAD v4.1: 72 of 1,586,540 alleles (0.0045%); highest among the groups gnomAD compares: Middle Eastern, 0.036%; no homozygotes.

Submissions (4):

PreventionGenetics, part of Exact Sciences
Classification: Uncertain significance for PLEC-related condition. Last evaluated: 2026-01-14. Review status: criteria provided, single submitter. Criteria: ACMG Guidelines, 2015. Collection method: clinical testing. Allele origin: germline.
Comment: The PLEC c.4808C>T variant is predicted to result in the amino acid substitution p.Ala1603Val. To our knowledge, this variant has not been reported in the literature. This variant is reported in 0.073% of alleles in individuals of East Asian descent in gnomAD. Although we suspect that this variant may be benign, at this time, the clinical significance of this variant is uncertain due to the absence of conclusive functional and genetic evidence.

Labcorp Genetics (formerly Invitae), Labcorp
Classification: Uncertain significance for Autosomal recessive limb-girdle muscular dystrophy type 2Q; Epidermolysis bullosa simplex, Ogna type; Epidermolysis bullosa simplex with nail dystrophy; Epidermolysis bullosa simplex 5C, with pyloric atresia; Epidermolysis bullosa simplex 5B, with muscular dystrophy. Last evaluated: 2024-12-02. Review status: criteria provided, single submitter. Criteria: Invitae Variant Classification Sherloc (09022015). Collection method: clinical testing. Allele origin: germline.
Comment: This sequence change replaces alanine, which is neutral and non-polar, with valine, which is neutral and non-polar, at codon 1603 of the PLEC protein (p.Ala1603Val). This variant is present in population databases (rs782322130, gnomAD 0.07%). This variant has not been reported in the literature in individuals affected with PLEC-related conditions. ClinVar contains an entry for this variant (Variation ID: 937041). An algorithm developed to predict the effect of missense changes on protein structure and function outputs the following: PolyPhen-2: "Not Available". The valine amino acid residue is found in multiple mammalian species, which suggests that this missense change does not adversely affect protein function. In summary, the available evidence is currently insufficient to determine the role of this variant in disease. Therefore, it has been classified as a Variant of Uncertain Significance.

Fulgent Genetics
Classification: Uncertain significance for Epidermolysis bullosa simplex, Ogna type; Epidermolysis bullosa simplex 5B, with muscular dystrophy; Epidermolysis bullosa simplex 5C, with pyloric atresia; Autosomal recessive limb-girdle muscular dystrophy type 2Q; Epidermolysis bullosa simplex with nail dystrophy. Last evaluated: 2024-05-17. Review status: criteria provided, single submitter. Criteria: ACMG Guidelines, 2015. Collection method: clinical testing. Allele origin: germline.

Ambry Genetics
Classification: Likely benign for Inborn genetic diseases. Last evaluated: 2021-07-13. Review status: criteria provided, single submitter. Criteria: Ambry Variant Classification Scheme 2023. Collection method: clinical testing. Allele origin: germline.